The following is an entry in ClinVar:

ClinVar aggregate classification (germline): Uncertain significance (1 of 4 stars; one submission).

Conditions:
GRN-related frontotemporal lobar degeneration with Tdp43 inclusions (FTD2). Also called: GRN Frontotemporal Dementia; FRONTOTEMPORAL DEMENTIA WITH TDP43 INCLUSIONS, GRN-RELATED; DEMENTIA, HEREDITARY DYSPHASIC DISINHIBITION; FRONTOTEMPORAL LOBAR DEGENERATION WITH UBIQUITIN-POSITIVE INCLUSIONS; FTLD-TDP, GRN-RELATED. Identifiers: Orphanet 100070, Orphanet 282, MedGen C1843792, MONDO:0011842, OMIM 607485. Disease mechanism: loss of function.
Neuronal ceroid lipofuscinosis 11. Also called: GRN-Related Neuronal Ceroid-Lipofuscinosis. Identifiers: Orphanet 314629, Orphanet 79262, MedGen C3539123, MONDO:0013866, OMIM 614706.

Allele frequency attached by ClinVar (database versions not stated): gnomAD exomes below 0.00001.

Submission:

Labcorp Genetics (formerly Invitae), Labcorp
Classification: Uncertain significance for Neuronal ceroid lipofuscinosis 11; GRN-related frontotemporal lobar degeneration with Tdp43 inclusions. Last evaluated: 2023-12-20. Review status: criteria provided, single submitter. Criteria: Invitae Variant Classification Sherloc (09022015). Collection method: clinical testing. Allele origin: germline.
Comment: This sequence change replaces cysteine, which is neutral and slightly polar, with arginine, which is basic and polar, at codon 232 of the GRN protein (p.Cys232Arg). This variant is not present in population databases (gnomAD no frequency). This variant has not been reported in the literature in individuals affected with GRN-related conditions. Advanced modeling of protein sequence and biophysical properties (such as structural, functional, and spatial information, amino acid conservation, physicochemical variation, residue mobility, and thermodynamic stability) performed at Invitae indicates that this missense variant is expected to disrupt GRN protein function with a positive predictive value of 80%. In summary, the available evidence is currently insufficient to determine the role of this variant in disease. Therefore, it has been classified as a Variant of Uncertain Significance.

NM_002087.4(GRN):c.694T>C (p.Cys232Arg)

Genes: GRN (granulin precursor; plus strand), LOC125177489 (Sharpr-MPRA regulatory region 15390; plus strand). Cytogenetic location: 17q21.31.
Variant type: single nucleotide variant.
Coding change: c.694T>C on transcript NM_002087.4 (MANE Select); coding-DNA position 694, T replaced by C.
Protein change: p.Cys232Arg; replaces cysteine 232 with arginine.
Molecular consequence: missense variant.
Genome position (GRCh38, 1-based): chr17:44,350,786, T>C. VCF-style: chr17-44350786-T-C. GRCh37 (hg19) VCF-style: chr17-42428154-T-C.
Other names: short protein forms C232R.
Identifiers: ClinVar variation 2921581 (VCV002921581.3), dbSNP rs2510056027, ClinGen allele CA399764464.
Genomic context (GRCh38, chr17:44,350,786, plus strand): 5'-CGGTCCCGGTGCCCTGATGGTTCTACCTGCTGTGAGCTGCCCAGTGGGAAGTATGGCTGC[T>C]GCCCAATGCCCAACGTGAGTGAGGGGCTGGAGCCAGCTTGGCTGTGTGCCCCCAGCCACC-3'
Protein context (NP_002078.1, residues 222-242): CELPSGKYGC[Cys232Arg]PMPNATCCSD